The following is an entry in ClinVar:

ClinVar aggregate classification (germline): Uncertain significance (1 of 4 stars; one submission).

Conditions:
Immunodeficiency 39 (IMD39). Identifiers: Orphanet 574918, MedGen C4225358, MONDO:0014597, OMIM 616345.

Submission:

Labcorp Genetics (formerly Invitae), Labcorp
Classification: Uncertain significance for Immunodeficiency 39. Last evaluated: 2021-10-11. Review status: criteria provided, single submitter. Criteria: Invitae Variant Classification Sherloc (09022015). Collection method: clinical testing. Allele origin: germline.
Comment: In summary, the available evidence is currently insufficient to determine the role of this variant in disease. Therefore, it has been classified as a Variant of Uncertain Significance. Algorithms developed to predict the effect of missense changes on protein structure and function output the following: SIFT: "Deleterious"; PolyPhen-2: "Benign"; Align-GVGD: "Class C0". The arginine amino acid residue is found in multiple mammalian species, which suggests that this missense change does not adversely affect protein function. This variant has not been reported in the literature in individuals affected with IRF7-related conditions. This variant is not present in population databases (ExAC no frequency). This sequence change replaces cysteine with arginine at codon 291 of the IRF7 protein (p.Cys291Arg). The cysteine residue is weakly conserved and there is a large physicochemical difference between cysteine and arginine.

NM_001572.5(IRF7):c.832T>C (p.Cys278Arg)

Gene: IRF7 (interferon regulatory factor 7; minus strand). Cytogenetic location: 11p15.5.
Variant type: single nucleotide variant.
Coding change: c.832T>C on transcript NM_001572.5 (MANE Select); coding-DNA position 832, T replaced by C.
Protein change: p.Cys278Arg; replaces cysteine 278 with arginine.
Molecular consequence: missense variant.
Genome position (GRCh38, 1-based): chr11:613,800, A>G on the plus strand (T>C on the coding strand, the complement: IRF7 is on the minus strand). VCF-style: chr11-613800-A-G. GRCh37 (hg19) VCF-style: chr11-613800-A-G.
Other names: c.745T>C, p.Cys249Arg (NM_004029.4); c.871T>C, p.Cys291Arg (NM_004031.4); short protein forms C249R, C278R, C291R.
Identifiers: ClinVar variation 1509987 (VCV001509987.6), dbSNP rs2133136049, ClinGen allele CA378979782.